The following is an entry in ClinVar:

ClinVar aggregate classification (germline): Pathogenic/Likely pathogenic. Review status: criteria provided, multiple submitters, no conflicts (2 of 4 stars). 5 submissions from 5 submitters: Pathogenic (2); Likely pathogenic (3). Last evaluated 2026-02-05.

Conditions:
Bardet-Biedl syndrome (BBS). Identifiers: Orphanet 110, MedGen C0752166, MONDO:0015229.
BBS12-related disorder. Also called: BBS12-related condition.
Bardet-Biedl syndrome 12 (BBS12). Identifiers: Orphanet 110, MedGen C1859570, MONDO:0014440, OMIM 615989.

Allele frequency attached by ClinVar (database versions not stated): TOPMed below 0.00001; gnomAD 0.00001; gnomAD exomes 0.00001; ExAC 0.00004.

Submissions (5):

Clinical Genetics and Genomics, Karolinska University Hospital
Classification: Likely pathogenic for Bardet-Biedl syndrome 12. Last evaluated: 2026-02-05. Review status: criteria provided, single submitter. Criteria: ACMG Guidelines, 2015. Collection method: clinical testing. Allele origin: germline. Inheritance: Autosomal recessive inheritance. Affected: yes.

Women's Health and Genetics/Laboratory Corporation of America, LabCorp
Classification: Pathogenic for Bardet-Biedl syndrome. Last evaluated: 2024-08-15. Review status: criteria provided, single submitter. Criteria: LabCorp Variant Classification Summary - May 2015. Collection method: clinical testing. Allele origin: germline.
Comment: Variant summary: BBS12 c.202C>T (p.Gln68X) results in a premature termination codon, predicted to cause a truncation of the encoded protein or absence of the protein due to nonsense mediated decay, which are commonly known mechanisms for disease. Variants downstream of this position have been classified as pathogenic by our laboratory (e.g. p.Leu530Pro). The variant allele was found at a frequency of 2.8e-05 in 251258 control chromosomes. To our knowledge, no occurrence of c.202C>T in individuals affected with Bardet-Biedl Syndrome and no experimental evidence demonstrating its impact on protein function have been reported. ClinVar contains an entry for this variant (Variation ID: 2899879). Based on the evidence outlined above, the variant was classified as pathogenic.

Fulgent Genetics
Classification: Likely pathogenic for Bardet-Biedl syndrome 12. Last evaluated: 2024-04-22. Review status: criteria provided, single submitter. Criteria: ACMG Guidelines, 2015. Collection method: clinical testing. Allele origin: germline.

Labcorp Genetics (formerly Invitae), Labcorp
Classification: Pathogenic for Bardet-Biedl syndrome. Last evaluated: 2023-04-09. Review status: criteria provided, single submitter. Criteria: Invitae Variant Classification Sherloc (09022015). Collection method: clinical testing. Allele origin: germline.
Comment: For these reasons, this variant has been classified as Pathogenic. This variant disrupts a region of the BBS12 protein in which other variant(s) (p.Arg355*) have been determined to be pathogenic (PMID: 17160889, 23591405). This suggests that this is a clinically significant region of the protein, and that variants that disrupt it are likely to be disease-causing. This variant has not been reported in the literature in individuals affected with BBS12-related conditions. This variant is present in population databases (rs752586913, gnomAD 0.006%). This sequence change creates a premature translational stop signal (p.Gln68*) in the BBS12 gene. While this is not anticipated to result in nonsense mediated decay, it is expected to disrupt the last 643 amino acid(s) of the BBS12 protein.

Blueprint Genetics
Classification: Likely pathogenic for BBS12-related disorders. Last evaluated: 2021-11-19. Review status: criteria provided, single submitter. Criteria: ACMG Guidelines, 2015. Collection method: clinical testing. Allele origin: germline. Affected: yes. Observed: 2 variant alleles.

Literature cited by the submitters: PubMed 17160889 (cited by Labcorp Genetics (formerly Invitae), Labcorp); PubMed 23591405 (cited by Labcorp Genetics (formerly Invitae), Labcorp).

NM_152618.3(BBS12):c.202C>T (p.Gln68Ter)

Gene: BBS12 (Bardet-Biedl syndrome 12; plus strand). Cytogenetic location: 4q27.
Variant type: single nucleotide variant.
Coding change: c.202C>T on transcript NM_152618.3 (MANE Select); coding-DNA position 202, C replaced by T.
Protein change: p.Gln68Ter; replaces glutamine 68 with a stop codon.
Molecular consequence: nonsense.
Genome position (GRCh38, 1-based): chr4:122,742,094, C>T. VCF-style: chr4-122742094-C-T. GRCh37 (hg19) VCF-style: chr4-123663249-C-T.
Other names: c.202C>T, p.Gln68Ter (NM_001178007.2); short protein forms Q68*.
Identifiers: ClinVar variation 2899879 (VCV002899879.8), dbSNP rs752586913, ClinGen allele CA3069255.